The following is an entry in ClinVar:

ClinVar aggregate classification (germline): Uncertain significance (1 of 4 stars; one submission).

Conditions:
GNAS-related disorder. Identifiers: MedGen CN380105.

Submission:

PreventionGenetics, part of Exact Sciences
Classification: Uncertain significance for GNAS-related condition. Last evaluated: 2022-09-19. Review status: criteria provided, single submitter. Criteria: ACMG Guidelines, 2015. Collection method: clinical testing. Allele origin: germline.
Comment: The GNAS c.330G>C variant is predicted to result in the amino acid substitution p.Met110Ile. This variant was reported in an individual with features of Albright’s hereditary osteodystrophy; however, pathogenicity was not established with functional or segregation analysis (reported as c.333G>C, p.Met111Ile in Fernández-Rebollo et al 2013. PubMed ID: 23533243). This variant has not been reported in a large population database, indicating this variant is rare. Although we suspect this variant could be pathogenic, at this time, the clinical significance of this variant is uncertain due to the absence of conclusive functional and genetic evidence.

NM_000516.7(GNAS):c.330G>C (p.Met110Ile)

Gene: GNAS (GNAS complex locus; plus strand). Cytogenetic location: 20q13.32.
Variant type: single nucleotide variant.
Coding change: c.330G>C on transcript NM_000516.7 (MANE Select); coding-DNA position 330, G replaced by C.
Protein change: p.Met110Ile; replaces methionine 110 with isoleucine.
Molecular consequence: missense variant. On other transcripts: 3 prime UTR variant (2).
Genome position (GRCh38, 1-based): chr20:58,903,689, G>C. VCF-style: chr20-58903689-G-C. GRCh37 (hg19) VCF-style: chr20-57478744-G-C.
Other names: c.333G>C, p.Met111Ile (NM_001077488.5); c.285G>C, p.Met95Ile (NM_001077489.4); c.*191G>C (NM_001077490.3); c.153G>C, p.Met51Ile (NM_001309840.2, NM_001309861.2); c.234G>C, p.Met78Ile (NM_001410912.1); c.2214G>C, p.Met738Ile (NM_001410913.1); c.*236G>C (NM_016592.5); c.2259G>C, p.Met753Ile (NM_080425.4); and 1 more; short protein forms M96I, M110I, M111I, M51I, M738I, M753I, M78I, M95I.
Identifiers: ClinVar variation 2637176 (VCV002637176.1), dbSNP rs2517082708, ClinGen allele CA409450386.